The following is an entry in ClinVar:

NM_007294.4(BRCA1):c.3771_3778del (p.Glu1257fs)

Genes: BRCA1 (BRCA1 DNA repair associated; minus strand), LOC126862571 (BRD4-independent group 4 enhancer GRCh37_chr17:41243136-41244335; plus strand). Cytogenetic location: 17q21.31.
Variant type: Deletion.
Coding change: c.3771_3778del on transcript NM_007294.4 (MANE Select); coding-DNA positions 3771 to 3778, 8 bases deleted (GGAGAATT; older notation c.3771_3778delGGAGAATT).
Protein change: p.Glu1257fs; shifts the reading frame from glutamic acid 1257.
Molecular consequence: frameshift variant. On other transcripts: intron variant (135).
Genome position (GRCh38, 1-based): chr17:43,091,753-43,091,760, AATTCTCC deleted on the plus strand (GGAGAATT on the coding strand, the reverse complement: BRCA1 is on the minus strand). VCF-style (leftmost placement, unchanged base first): chr17-43091752-AAATTCTCC-A. GRCh37 (hg19) VCF-style: chr17-41243769-AAATTCTCC-A.
Other names: c.3438_3445del, p.Glu1146fs (NM_001407950.1, NM_001407951.1, NM_001407952.1 and 6 more transcripts); c.3435_3442del, p.Glu1145fs (NM_001407954.1, NM_001407955.1, NM_001407956.1 and 1 more transcripts); c.3390_3397del, p.Glu1130fs (NM_001407959.1, NM_001407960.1, NM_001407963.1); c.3387_3394del, p.Glu1129fs (NM_001407962.1); c.3627_3634del, p.Glu1209fs (NM_001407964.1, NM_001407740.1, NM_001407741.1 and 20 more transcripts); c.3267_3274del, p.Glu1089fs (NM_001407965.1); c.2883_2890del, p.Glu961fs (NM_001407966.1, NM_001407967.1); c.1167_1174del, p.Glu389fs (NM_001407968.1, NM_001407969.1); and 41 more; short protein forms E1210fs, E1257fs, E1089fs, E1129fs, E1130fs, E1145fs, E1186fs, E1187fs.
Identifiers: ClinVar variation 54999 (VCV000054999.3), dbSNP rs397509104, ClinGen allele CA002427.

ClinVar aggregate classification (germline): Pathogenic. Review status: reviewed by expert panel (3 of 4 stars). 2 submissions from 2 submitters: Pathogenic (1). 1 of the submissions does not count toward it. Last evaluated 2017-12-15.

Conditions:
Breast-ovarian cancer, familial, susceptibility to, 1 (BROVCA1). Also called: BRCA1 Hereditary Breast and Ovarian Cancer; OVARIAN CANCER, SUSCEPTIBILITY TO. Identifiers: Orphanet 145, MedGen C2676676, MONDO:0011450, OMIM 604370. Disease mechanism: loss of function.
Familial cancer of breast. Also called: hereditary breast carcinoma; BREAST CANCER, FAMILIAL; Hereditary breast cancer. Identifiers: Orphanet 227535, MedGen C0346153, MONDO:0016419, OMIM 114480. Disease mechanism: loss of function.

Submissions (2):

Evidence-based Network for the Interpretation of Germline Mutant Alleles (ENIGMA)
Classification: Pathogenic for Breast-ovarian cancer, familial, susceptibility to, 1. Last evaluated: 2017-12-15. Review status: reviewed by expert panel. Criteria: ENIGMA BRCA1/2 Classification Criteria (2017-06-29). Collection method: curation. Allele origin: germline. Study: ENIGMA.
Comment: Variant allele predicted to encode a truncated non-functional protein.

ClinVar Staff, National Center for Biotechnology Information (NCBI)
No classification provided. Condition: Familial cancer of breast. Review status: no classification provided. Collection method: literature only. Allele origin: germline. Affected: yes. Not counted in ClinVar's aggregate classification.

Literature cited by the submitters: PubMed 21120943 (cited by ClinVar Staff, National Center for Biotechnology Information (NCBI)).